The following is an entry in ClinVar:

NM_000718.4(CACNA1B):c.2273A>T (p.Gln758Leu)

Gene: CACNA1B (calcium voltage-gated channel subunit alpha1 B; plus strand). Cytogenetic location: 9q34.3.
Variant type: single nucleotide variant.
Coding change: c.2273A>T on transcript NM_000718.4 (MANE Select); coding-DNA position 2273, A replaced by T.
Protein change: p.Gln758Leu; replaces glutamine 758 with leucine.
Molecular consequence: missense variant.
Genome position (GRCh38, 1-based): chr9:138,023,016, A>T. VCF-style: chr9-138023016-A-T. GRCh37 (hg19) VCF-style: chr9-140917468-A-T.
Other names: c.2273A>T, p.Gln758Leu (NM_001243812.2); short protein forms Q758L.
Identifiers: ClinVar variation 3764289 (VCV003764289.1).

ClinVar aggregate classification (germline): Uncertain significance (1 of 4 stars; one submission).

gnomAD v4.1: 2 of 1,510,874 alleles (0.00013%); highest among the groups gnomAD compares: Non-Finnish European, 0.00018%; no homozygotes.

Submission:

GeneDx
Classification: Uncertain significance. Last evaluated: 2024-08-22. Review status: criteria provided, single submitter. Criteria: GeneDx Variant Classification Process June 2021. Collection method: clinical testing. Allele origin: germline. Affected: yes.
Comment: Not observed at significant frequency in large population cohorts (gnomAD); In silico analysis supports that this missense variant has a deleterious effect on protein structure/function; Has not been previously published as pathogenic or benign to our knowledge